The following is an entry in ClinVar:

NM_198252.3(GSN):c.624C>T (p.His208=)

Gene: GSN (gelsolin; plus strand). Cytogenetic location: 9q33.2.
Variant type: single nucleotide variant.
Coding change: c.624C>T on transcript NM_198252.3 (MANE Select); coding-DNA position 624, C replaced by T.
Protein change: p.His208=; no amino-acid change (histidine 208 retained).
Molecular consequence: synonymous variant. On other transcripts: 5 prime UTR variant (1).
Genome position (GRCh38, 1-based): chr9:121,312,449, C>T. VCF-style: chr9-121312449-C-T. GRCh37 (hg19) VCF-style: chr9-124074727-C-T.
Other names: c.777C>T (NM_000177.4); c.777C>T, p.His259= (NM_000177.5); c.624C>T, p.His208= (NM_001127662.2, NM_001127664.2, NM_001127665.2 and 10 more transcripts); c.732C>T, p.His244= (NM_001127663.2); c.657C>T, p.His219= (NM_001127666.2, NM_001127667.2, NM_001353063.2 and 13 more transcripts); c.675C>T, p.His225= (NM_001258029.2); c.648C>T, p.His216= (NM_001258030.2); c.696C>T, p.His232= (NM_001353076.2); and 1 more.
Identifiers: ClinVar variation 1641046 (VCV001641046.11), dbSNP rs756081371, ClinGen allele CA5220952.
Genomic context (GRCh38, chr9:121,312,449, plus strand): 5'-GGCCACACAGGTGTCCAAGGGCATCCGGGACAACGAGCGGAGTGGCCGGGCCCGAGTGCA[C>T]GTGTCTGAGGAGGGCACTGAGCCCGAGGCGATGCTCCAGGTGCCTGTGGGGTGCGCAATG-3'
Protein context (NP_937895.1, residues 198-218): DNERSGRARV[His208=]VSEEGTEPEA

ClinVar aggregate classification (germline): Likely benign. Review status: criteria provided, multiple submitters, no conflicts (2 of 4 stars). 3 submissions from 3 submitters: Likely benign (3). Last evaluated 2026-06-10.

Conditions:
GSN-related disorder. Also called: GSN-related condition.

Allele frequency attached by ClinVar (database versions not stated): ExAC 0.00001; gnomAD 0.00002; gnomAD exomes 0.00002 and 0.00008; TOPMed 0.00003.
gnomAD v4.1: 116 of 1,613,844 alleles (0.0072%); highest among the groups gnomAD compares: Non-Finnish European, 0.0093%; no homozygotes.

Submissions (3):

PreventionGenetics, part of Exact Sciences
Classification: Likely benign for GSN-related condition. Last evaluated: 2026-06-10. Review status: criteria provided, single submitter. Criteria: ACMG Guidelines, 2015. Collection method: clinical testing. Allele origin: germline.
Comment: This variant is classified as likely benign based on ACMG/AMP sequence variant interpretation guidelines (Richards et al. 2015 PMID: 25741868, with internal and published modifications).

CeGaT Center for Human Genetics Tuebingen
Classification: Likely benign. Last evaluated: 2026-06-01. Review status: criteria provided, single submitter. Criteria: CeGaT Center For Human Genetics Tuebingen Variant Classification Criteria Version 2. Collection method: clinical testing. Allele origin: germline. Affected: yes. Observed: 1 variant allele.
Comment: GSN: BP4, BP7

Labcorp Genetics (formerly Invitae), Labcorp
Classification: Likely benign. Last evaluated: 2025-06-02. Review status: criteria provided, single submitter. Criteria: Invitae Variant Classification Sherloc (09022015). Collection method: clinical testing. Allele origin: germline.